The following is an entry in ClinVar:

NM_182914.3(SYNE2):c.14927A>G (p.Asn4976Ser)

Gene: SYNE2 (spectrin repeat containing nuclear envelope protein 2; plus strand). Cytogenetic location: 14q23.2.
Variant type: single nucleotide variant.
Coding change: c.14927A>G on transcript NM_182914.3 (MANE Select); coding-DNA position 14927, A replaced by G.
Protein change: p.Asn4976Ser; replaces asparagine 4976 with serine.
Molecular consequence: missense variant.
Genome position (GRCh38, 1-based): chr14:64,140,024, A>G. VCF-style: chr14-64140024-A-G. GRCh37 (hg19) VCF-style: chr14-64606742-A-G.
Other names: c.14927A>G, p.Asn4976Ser (NM_015180.6); short protein forms N4976S.
Identifiers: ClinVar variation 950018 (VCV000950018.9), dbSNP rs148883036, ClinGen allele CA261811992.

ClinVar aggregate classification (germline): Uncertain significance (1 of 4 stars; one submission).

Conditions:
Emery-Dreifuss muscular dystrophy 5, autosomal dominant (EDMD5). Also called: EMERY-DREIFUSS MUSCULAR DYSTROPHY 5. Identifiers: Orphanet 261, MedGen C2751805, MONDO:0013072, OMIM 612999.

Allele frequency attached by ClinVar (database versions not stated): TOPMed 0.00001; ESP Exome Variant Server 0.00008.
gnomAD v4.1: 18 of 1,613,914 alleles (0.0011%); highest among the groups gnomAD compares: Non-Finnish European, 0.0014%; no homozygotes.

Submission:

Labcorp Genetics (formerly Invitae), Labcorp
Classification: Uncertain significance for Emery-Dreifuss muscular dystrophy 5, autosomal dominant. Last evaluated: 2024-11-07. Review status: criteria provided, single submitter. Criteria: Invitae Variant Classification Sherloc (09022015). Collection method: clinical testing. Allele origin: germline.
Comment: This sequence change replaces asparagine, which is neutral and polar, with serine, which is neutral and polar, at codon 4976 of the SYNE2 protein (p.Asn4976Ser). This variant is present in population databases (rs148883036, gnomAD 0.006%). This variant has not been reported in the literature in individuals affected with SYNE2-related conditions. ClinVar contains an entry for this variant (Variation ID: 950018). An algorithm developed to predict the effect of missense changes on protein structure and function outputs the following: PolyPhen-2: "Benign". The serine amino acid residue is found in multiple mammalian species, which suggests that this missense change does not adversely affect protein function. In summary, the available evidence is currently insufficient to determine the role of this variant in disease. Therefore, it has been classified as a Variant of Uncertain Significance.